The following is an entry in ClinVar:

NM_000179.3(MSH6):c.1438dup (p.Val480fs)

Gene: MSH6 (mutS homolog 6; plus strand). Cytogenetic location: 2p16.3.
Variant type: Duplication.
Coding change: c.1438dup on transcript NM_000179.3 (MANE Select); coding-DNA position 1438, one base duplicated (G; older notation c.1438dupG).
Protein change: p.Val480fs; shifts the reading frame from valine 480.
Molecular consequence: frameshift variant.
Genome position (GRCh38, 1-based): chr2:47,799,421, G duplicated. VCF-style (leftmost placement, unchanged base first): chr2-47799420-A-AG. GRCh37 (hg19) VCF-style: chr2-48026559-A-AG.
Other names: c.1048dup, p.Val350fs (NM_001281492.2); c.532dup, p.Val178fs (NM_001281493.2, NM_001281494.2); short protein forms V178fs, V350fs, V480fs.
Identifiers: ClinVar variation 998234 (VCV000998234.1), dbSNP rs1669331597, ClinGen allele CA923726078.

ClinVar aggregate classification (germline): Pathogenic (1 of 4 stars; one submission).

Conditions:
Mismatch repair cancer syndrome 1 (MMRCS1). Also called: BRAIN TUMOR-POLYPOSIS SYNDROME 1; BTP1 SYNDROME; CHILDHOOD CANCER SYNDROME; MISMATCH REPAIR DEFICIENCY; MMR DEFICIENCY. Identifiers: Orphanet 252202, MedGen C5399763, MONDO:0010159, OMIM 276300. Disease mechanism: loss of function.

Submission:

Baylor Genetics
Classification: Pathogenic for Mismatch repair cancer syndrome 1. Last evaluated: 2020-06-05. Review status: criteria provided, single submitter. Criteria: ACMG Guidelines, 2015. Collection method: clinical testing. Allele origin: maternal. Affected: yes. Study: CSER-TexasKidsCanSeq.
Comment: This variant was determined to be pathogenic according to ACMG Guidelines, 2015 [PMID:25741868].